The following is an entry in ClinVar:

ClinVar aggregate classification (germline): Uncertain significance (1 of 4 stars; one submission).

Submission:

CeGaT Center for Human Genetics Tuebingen
Classification: Uncertain significance. Last evaluated: 2022-03-01. Review status: criteria provided, single submitter. Criteria: CeGaT Center For Human Genetics Tuebingen Variant Classification Criteria Version 2. Collection method: clinical testing. Allele origin: germline. Affected: yes. Observed: 1 variant allele.
Comment: SEC14L1: PM2, PP3

NM_001143998.2(SEC14L1):c.1631A>T (p.Asp544Val)

Gene: SEC14L1 (SEC14 like lipid binding 1; plus strand). Cytogenetic location: 17q25.3.
Variant type: single nucleotide variant.
Coding change: c.1631A>T on transcript NM_001143998.2 (MANE Select); coding-DNA position 1631, A replaced by T.
Protein change: p.Asp544Val; replaces aspartic acid 544 with valine.
Molecular consequence: missense variant.
Genome position (GRCh38, 1-based): chr17:77,211,969, A>T. VCF-style: chr17-77211969-A-T. GRCh37 (hg19) VCF-style: chr17-75208051-A-T.
Other names: c.1631A>T, p.Asp544Val (NM_001039573.3, NM_001143999.2, NM_001204408.2 and 2 more transcripts); c.1529A>T, p.Asp510Val (NM_001144001.2); short protein forms D510V, D544V.
Identifiers: ClinVar variation 2648326 (VCV002648326.24), dbSNP rs2544680062, ClinGen allele CA401203021.